The following is an entry in ClinVar:

NM_000180.4(GUCY2D):c.218C>G (p.Pro73Arg)

Gene: GUCY2D (guanylate cyclase 2D, retinal; plus strand). Cytogenetic location: 17p13.1.
Variant type: single nucleotide variant.
Coding change: c.218C>G on transcript NM_000180.4 (MANE Select); coding-DNA position 218, C replaced by G.
Protein change: p.Pro73Arg; replaces proline 73 with arginine.
Molecular consequence: missense variant.
Genome position (GRCh38, 1-based): chr17:8,003,265, C>G. VCF-style: chr17-8003265-C-G. GRCh37 (hg19) VCF-style: chr17-7906583-C-G.
Other names: short protein forms P73R.
Identifiers: ClinVar variation 4055885 (VCV004055885.3).
Genomic context (GRCh38, chr17:8,003,265, plus strand): 5'-TGTTCACGGTGGGGGTCCTGGGCCCCTGGGCTTGCGACCCCATCTTCTCTCGGGCTCGCC[C>G]GGACCTGGCCGCCCGCCTGGCCGCCGCCCGCCTGAACCGCGACCCCGGCCTGGCAGGCGG-3'
Protein context (NP_000171.1, residues 63-83): ACDPIFSRAR[Pro73Arg]DLAARLAAAR

ClinVar aggregate classification (germline): Uncertain significance. Review status: criteria provided, multiple submitters, no conflicts (2 of 4 stars). 3 submissions from 3 submitters: Uncertain significance (3). Last evaluated 2025-09-25.

Conditions:
Inborn genetic diseases. Identifiers: MedGen C0950123, MeSH D030342.

gnomAD v4.1: 27 of 1,501,448 alleles (0.0018%); highest among the groups gnomAD compares: Non-Finnish European, 0.0024%; no homozygotes.

Submissions (3):

Ambry Genetics
Classification: Uncertain significance for Inborn genetic diseases. Last evaluated: 2025-09-25. Review status: criteria provided, single submitter. Criteria: Ambry Variant Classification Scheme 2023. Collection method: clinical testing. Allele origin: germline.

GeneDx
Classification: Uncertain significance. Last evaluated: 2025-01-04. Review status: criteria provided, single submitter. Criteria: GeneDx Variant Classification Process June 2021. Collection method: clinical testing. Allele origin: germline. Affected: yes.
Comment: Not observed at significant frequency in large population cohorts (gnomAD); In silico analysis supports that this missense variant has a deleterious effect on protein structure/function; Has not been previously published as pathogenic or benign to our knowledge

Blueprint Genetics
Classification: Uncertain significance. Last evaluated: 2022-10-24. Review status: criteria provided, single submitter. Criteria: ACMG Guidelines, 2015. Collection method: clinical testing. Allele origin: germline.